The following is an entry in ClinVar:

ClinVar aggregate classification (germline): Pathogenic (1 of 4 stars; one submission).

Conditions:
X-linked severe combined immunodeficiency (SCIDX1). Also called: IMMUNODEFICIENCY 4; SCID, X-LINKED; SEVERE COMBINED IMMUNODEFICIENCY, X-LINKED, T CELL-NEGATIVE, B CELL-POSITIVE, NK CELL-NEGATIVE; T-B+ severe combined immunodeficiency due to gamma chain deficiency; X-Linked Combined Immunodeficiency Diseases. Identifiers: Orphanet 276, MedGen C6022468, MONDO:0010315, OMIM 300400. Disease mechanism: loss of function.

Submission:

Labcorp Genetics (formerly Invitae), Labcorp
Classification: Pathogenic for X-linked severe combined immunodeficiency. Last evaluated: 2021-04-16. Review status: criteria provided, single submitter. Criteria: Invitae Variant Classification Sherloc (09022015). Collection method: clinical testing. Allele origin: germline.
Comment: This sequence change creates a premature translational stop signal (p.Ser10Cysfs*6) in the IL2RG gene. It is expected to result in an absent or disrupted protein product. Loss-of-function variants in IL2RG are known to be pathogenic (PMID: 9058718, 10794430). This variant is not present in population databases (ExAC no frequency). This variant has not been reported in the literature in individuals with IL2RG-related conditions. For these reasons, this variant has been classified as Pathogenic.

Literature cited by the submitters: PubMed 9058718; PubMed 10794430.

NM_000206.3(IL2RG):c.27_51del (p.Ser10fs)

Genes: IL2RG (interleukin 2 receptor subunit gamma; minus strand), LOC126863274 (MED14-independent group 3 enhancer GRCh37_chrX:70330888-70332087; plus strand). Cytogenetic location: Xq13.1.
Variant type: Deletion.
Coding change: c.27_51del on transcript NM_000206.3 (MANE Select); coding-DNA positions 27 to 51, 25 bases deleted (ATCCCTCTTATTCCTGCAGCTGCCC).
Protein change: p.Ser10fs; shifts the reading frame from serine 10.
Molecular consequence: frameshift variant.
Genome position (GRCh38, 1-based): chrX:71,111,489-71,111,513, GGGCAGCTGCAGGAATAAGAGGGAT deleted on the plus strand (ATCCCTCTTATTCCTGCAGCTGCCC on the coding strand, the reverse complement: IL2RG is on the minus strand); deleting any 25 consecutive bases within chrX:71,111,489-71,111,514 gives the same sequence; the c. name uses the placement nearest the transcript's 3' end. VCF-style (leftmost placement, unchanged base first): chrX-71111488-GGGGCAGCTGCAGGAATAAGAGGGAT-G. GRCh37 (hg19) VCF-style: chrX-70331338-GGGGCAGCTGCAGGAATAAGAGGGAT-G.
Other names: short protein forms S10fs.
Identifiers: ClinVar variation 1451641 (VCV001451641.6), dbSNP rs2147751892, ClinGen allele CA2573159604.